The following is an entry in ClinVar:

NM_052989.3(IFT122):c.3124A>G (p.Ile1042Val)

Gene: IFT122 (intraflagellar transport 122; plus strand). Cytogenetic location: 3q22.1.
Variant type: single nucleotide variant.
Coding change: c.3124A>G on transcript NM_052989.3 (MANE Select); coding-DNA position 3124, A replaced by G.
Protein change: p.Ile1042Val; replaces isoleucine 1042 with valine.
Molecular consequence: missense variant.
Genome position (GRCh38, 1-based): chr3:129,514,525, A>G. VCF-style: chr3-129514525-A-G. GRCh37 (hg19) VCF-style: chr3-129233368-A-G.
Other names: c.3070A>G, p.Ile1024Val (NM_001410809.1); c.2950A>G, p.Ile984Val (NM_001410810.1); c.2896A>G, p.Ile966Val (NM_001410811.1); c.2893A>G, p.Ile965Val (NM_001410813.1); c.2791A>G, p.Ile931Val (NM_001410815.1); c.2740A>G, p.Ile914Val (NM_001410817.1); c.2947A>G, p.Ile983Val (NM_018262.4); c.3277A>G, p.Ile1093Val (NM_052985.4); and 6 more; short protein forms I1042V, I1043V, I833V, I932V, I966V, I892V, I983V, I1024V.
Identifiers: ClinVar variation 2077952 (VCV002077952.2), dbSNP rs371251608, ClinGen allele CA2606784.

ClinVar aggregate classification (germline): Uncertain significance. Review status: criteria provided, multiple submitters, no conflicts (2 of 4 stars). 2 submissions from 2 submitters: Uncertain significance (2). Last evaluated 2024-01-30.

Conditions:
Inborn genetic diseases. Identifiers: MedGen C0950123, MeSH D030342.
Cranioectodermal dysplasia 1 (CED1). Also called: LEVIN SYNDROME I. Identifiers: Orphanet 1515, MedGen C0432235, MONDO:0021093, OMIM 218330.

Allele frequency attached by ClinVar (database versions not stated): gnomAD 0.00001; ExAC 0.00002; TOPMed 0.00002.
gnomAD v4.1: 17 of 1,614,100 alleles (0.0011%); highest among the groups gnomAD compares: East Asian, 0.027%; no homozygotes.

Submissions (2):

Ambry Genetics
Classification: Uncertain significance for Inborn genetic diseases. Last evaluated: 2024-01-30. Review status: criteria provided, single submitter. Criteria: Ambry Variant Classification Scheme 2023. Collection method: clinical testing. Allele origin: germline.

Labcorp Genetics (formerly Invitae), Labcorp
Classification: Uncertain significance for Cranioectodermal dysplasia 1. Last evaluated: 2022-01-06. Review status: criteria provided, single submitter. Criteria: Invitae Variant Classification Sherloc (09022015). Collection method: clinical testing. Allele origin: germline.
Comment: This sequence change replaces isoleucine, which is neutral and non-polar, with valine, which is neutral and non-polar, at codon 1093 of the IFT122 protein (p.Ile1093Val). This variant is present in population databases (rs371251608, gnomAD 0.06%). This variant has not been reported in the literature in individuals affected with IFT122-related conditions. Algorithms developed to predict the effect of missense changes on protein structure and function output the following: SIFT: "Tolerated"; PolyPhen-2: "Benign"; Align-GVGD: "Class C0". The valine amino acid residue is found in multiple mammalian species, which suggests that this missense change does not adversely affect protein function. In summary, the available evidence is currently insufficient to determine the role of this variant in disease. Therefore, it has been classified as a Variant of Uncertain Significance.